The following is an entry in ClinVar:

NM_001363711.2(DUOX2):c.4537G>A (p.Gly1513Arg)

Gene: DUOX2 (dual oxidase 2; minus strand). Cytogenetic location: 15q21.1.
Variant type: single nucleotide variant.
Coding change: c.4537G>A on transcript NM_001363711.2 (MANE Select); coding-DNA position 4537, G replaced by A.
Protein change: p.Gly1513Arg; replaces glycine 1513 with arginine.
Molecular consequence: missense variant.
Genome position (GRCh38, 1-based): chr15:45,094,260, C>T on the plus strand (G>A on the coding strand, the complement: DUOX2 is on the minus strand). VCF-style: chr15-45094260-C-T. GRCh37 (hg19) VCF-style: chr15-45386458-C-T.
Other names: c.4537G>A, p.Gly1513Arg (NM_014080.5); short protein forms G1513R.
Identifiers: ClinVar variation 888096 (VCV000888096.6), dbSNP rs748262140, ClinGen allele CA7537472.

ClinVar aggregate classification (germline): Conflicting classifications of pathogenicity. Review status: criteria provided, conflicting classifications (1 of 4 stars). 2 submissions from 2 submitters: Likely pathogenic (1); Uncertain significance (1). Last evaluated 2025-11-03.

Conditions:
Thyroid dyshormonogenesis 6 (TDH6). Also called: HYPOTHYROIDISM, CONGENITAL, DUE TO DYSHORMONOGENESIS, 6; THYROID HORMONOGENESIS, GENETIC DEFECT IN, 6; Genetic transient congenital hypothyroidism. Identifiers: Orphanet 226316, Orphanet 95716, MedGen C1846632, MONDO:0011792, OMIM 607200.

Allele frequency attached by ClinVar (database versions not stated): gnomAD exomes below 0.00001; ExAC 0.00001; TOPMed 0.00001; gnomAD 0.00002.
gnomAD v4.1: 18 of 1,614,048 alleles (0.0011%); highest among the groups gnomAD compares: African/African-American, 0.0027%; no homozygotes.

Submissions (2):

Labcorp Genetics (formerly Invitae), Labcorp
Classification: Likely pathogenic. Last evaluated: 2025-11-03. Review status: criteria provided, single submitter. Criteria: Invitae Variant Classification Sherloc (09022015). Collection method: clinical testing. Allele origin: germline.
Comment: This sequence change replaces glycine, which is neutral and non-polar, with arginine, which is basic and polar, at codon 1513 of the DUOX2 protein (p.Gly1513Arg). This variant is present in population databases (rs748262140, gnomAD 0.002%). This missense change has been observed in individual(s) with DUOX2-related conditions (PMID: 30154845, 32425884). ClinVar contains an entry for this variant (Variation ID: 888096). Invitae Evidence Modeling of protein sequence and biophysical properties (such as structural, functional, and spatial information, amino acid conservation, physicochemical variation, residue mobility, and thermodynamic stability) indicates that this missense variant is expected to disrupt DUOX2 protein function with a positive predictive value of 95%. Experimental studies have shown that this missense change affects DUOX2 function (PMID: 34564849). This variant disrupts the p.Gly1513 amino acid residue in DUOX2. Other variant(s) that disrupt this residue have been determined to be pathogenic (PMID: 30154845, 32425884, 34564849, 36207832). This suggests that this residue is clinically significant, and that variants that disrupt this residue are likely to be disease-causing. In summary, the currently available evidence indicates that the variant is pathogenic, but additional data are needed to prove that conclusively. Therefore, this variant has been classified as Likely Pathogenic.

Illumina Laboratory Services, Illumina
Classification: Uncertain significance for Thyroid dyshormonogenesis 6. Last evaluated: 2018-01-13. Review status: criteria provided, single submitter. Criteria: ICSL Variant Classification Criteria 13 December 2019. Collection method: clinical testing. Allele origin: germline.

Literature cited by the submitters: PubMed 30154845 (cited by Labcorp Genetics (formerly Invitae), Labcorp); PubMed 32425884 (cited by Labcorp Genetics (formerly Invitae), Labcorp); PubMed 34564849 (cited by Labcorp Genetics (formerly Invitae), Labcorp); PubMed 36207832 (cited by Labcorp Genetics (formerly Invitae), Labcorp).